The following is an entry in ClinVar:

ClinVar aggregate classification (germline): Uncertain significance. Review status: criteria provided, multiple submitters, no conflicts (2 of 4 stars). 2 submissions from 2 submitters: Uncertain significance (2). Last evaluated 2025-02-14.

Conditions:
Hereditary pancreatitis (PCTT). Also called: PRSS1-Related Hereditary Pancreatitis; Hereditary chronic pancreatitis. Identifiers: Orphanet 676, MedGen C0238339, MONDO:0008185, OMIM 167800.

Submissions (2):

Ambry Genetics
Classification: Uncertain significance for Hereditary pancreatitis. Last evaluated: 2025-02-14. Review status: criteria provided, single submitter. Criteria: Ambry Variant Classification Scheme 2023. Collection method: clinical testing. Allele origin: germline.
Comment: The p.L48P variant (also known as c.143T>C), located in coding exon 2 of the CPA1 gene, results from a T to C substitution at nucleotide position 143. The leucine at codon 48 is replaced by proline, an amino acid with similar properties. This amino acid position is conserved. In addition, the in silico prediction for this alteration is inconclusive. Based on the available evidence, the clinical significance of this variant remains unclear.

Labcorp Genetics (formerly Invitae), Labcorp
Classification: Uncertain significance. Last evaluated: 2022-06-09. Review status: criteria provided, single submitter. Criteria: Invitae Variant Classification Sherloc (09022015). Collection method: clinical testing. Allele origin: germline.
Comment: Algorithms developed to predict the effect of missense changes on protein structure and function (SIFT, PolyPhen-2, Align-GVGD) all suggest that this variant is likely to be tolerated. This variant has not been reported in the literature in individuals affected with CPA1-related conditions. This variant is not present in population databases (gnomAD no frequency). This sequence change replaces leucine, which is neutral and non-polar, with proline, which is neutral and non-polar, at codon 48 of the CPA1 protein (p.Leu48Pro). In summary, the available evidence is currently insufficient to determine the role of this variant in disease. Therefore, it has been classified as a Variant of Uncertain Significance.

NM_001868.4(CPA1):c.143T>C (p.Leu48Pro)

Gene: CPA1 (carboxypeptidase A1; plus strand). Cytogenetic location: 7q32.2.
Variant type: single nucleotide variant.
Coding change: c.143T>C on transcript NM_001868.4 (MANE Select); coding-DNA position 143, T replaced by C.
Protein change: p.Leu48Pro; replaces leucine 48 with proline.
Molecular consequence: missense variant.
Genome position (GRCh38, 1-based): chr7:130,381,175, T>C. VCF-style: chr7-130381175-T-C. GRCh37 (hg19) VCF-style: chr7-130021016-T-C.
Other names: c.143T>C (NM_001868.2); short protein forms L48P.
Identifiers: ClinVar variation 1979784 (VCV001979784.5), dbSNP rs2536003851, ClinGen allele CA369279398.